The following is an entry in ClinVar:

ClinVar aggregate classification (germline): Pathogenic (1 of 4 stars; one submission).

Submission:

Labcorp Genetics (formerly Invitae), Labcorp
Classification: Pathogenic. Last evaluated: 2025-10-05. Review status: criteria provided, single submitter. Criteria: Invitae Variant Classification Sherloc (09022015). Collection method: clinical testing. Allele origin: germline.
Comment: This sequence change creates a premature translational stop signal (p.Thr744Phefs*34) in the ABCC6 gene. It is expected to result in an absent or disrupted protein product. Loss-of-function variants in ABCC6 are known to be pathogenic (PMID: 11536079, 17617515). This variant is not present in population databases (gnomAD no frequency). This variant has not been reported in the literature in individuals affected with ABCC6-related conditions. For these reasons, this variant has been classified as Pathogenic.

Literature cited by the submitters: PubMed 11536079; PubMed 17617515.

NM_001171.6(ABCC6):c.2230_2231del (p.Thr744fs)

Gene: ABCC6 (ATP binding cassette subfamily C member 6; minus strand). Cytogenetic location: 16p13.11.
Variant type: Microsatellite.
Coding change: c.2230_2231del on transcript NM_001171.6 (MANE Select); coding-DNA positions 2230 to 2231, 2 bases deleted (AC; older notation c.2230_2231delAC).
Protein change: p.Thr744fs; shifts the reading frame from threonine 744.
Molecular consequence: frameshift variant. On other transcripts: non-coding transcript variant (4).
Genome position (GRCh38, 1-based): chr16:16,182,428-16,182,429, GT deleted on the plus strand (AC on the coding strand, the reverse complement: ABCC6 is on the minus strand); deleting any 2 consecutive bases within chr16:16,182,428-16,182,432 gives the same sequence; the c. name uses the placement nearest the transcript's 3' end. VCF-style (leftmost placement, unchanged base first): chr16-16182427-AGT-A. GRCh37 (hg19) VCF-style: chr16-16276284-AGT-A.
Other names: c.1888_1889del, p.Thr630fs (NM_001351800.1); c.2230_2231del, p.Thr744fs (NM_001440309.1, NM_001440310.1); short protein forms T744fs, T630fs.
Identifiers: ClinVar variation 4728497 (VCV004728497.1).